The following is an entry in ClinVar:

ClinVar aggregate classification (germline): Uncertain significance (1 of 4 stars; one submission).

Allele frequency attached by ClinVar (database versions not stated): gnomAD 0.00001; gnomAD exomes 0.00001; TOPMed 0.00001.

Submission:

Labcorp Genetics (formerly Invitae), Labcorp
Classification: Uncertain significance. Last evaluated: 2023-10-29. Review status: criteria provided, single submitter. Criteria: Invitae Variant Classification Sherloc (09022015). Collection method: clinical testing. Allele origin: germline.
Comment: This sequence change replaces proline, which is neutral and non-polar, with serine, which is neutral and polar, at codon 211 of the YARS2 protein (p.Pro211Ser). This variant is not present in population databases (gnomAD no frequency). This variant has not been reported in the literature in individuals affected with YARS2-related conditions. Advanced modeling of protein sequence and biophysical properties (such as structural, functional, and spatial information, amino acid conservation, physicochemical variation, residue mobility, and thermodynamic stability) performed at Invitae indicates that this missense variant is not expected to disrupt YARS2 protein function with a negative predictive value of 80%. In summary, the available evidence is currently insufficient to determine the role of this variant in disease. Therefore, it has been classified as a Variant of Uncertain Significance.

NM_001040436.3(YARS2):c.631C>T (p.Pro211Ser)

Gene: YARS2 (tyrosyl-tRNA synthetase 2; minus strand). Cytogenetic location: 12p11.21.
Variant type: single nucleotide variant.
Coding change: c.631C>T on transcript NM_001040436.3 (MANE Select); coding-DNA position 631, C replaced by T.
Protein change: p.Pro211Ser; replaces proline 211 with serine.
Molecular consequence: missense variant.
Genome position (GRCh38, 1-based): chr12:32,755,244, G>A on the plus strand (C>T on the coding strand, the complement: YARS2 is on the minus strand). VCF-style: chr12-32755244-G-A. GRCh37 (hg19) VCF-style: chr12-32908178-G-A.
Other names: short protein forms P211S.
Identifiers: ClinVar variation 2982137 (VCV002982137.2), dbSNP rs1424037476, ClinGen allele CA384373504.